The following is an entry in ClinVar:

ClinVar aggregate classification (germline): Uncertain significance. Review status: criteria provided, multiple submitters, no conflicts (2 of 4 stars). 2 submissions from 2 submitters: Uncertain significance (2). Last evaluated 2023-05-15.

Conditions:
Inborn genetic diseases. Identifiers: MedGen C0950123, MeSH D030342.

gnomAD v4.1: 1 of 1,614,064 alleles (0.000062%); highest among the groups gnomAD compares: East Asian, 0.0022%; no homozygotes.

Submissions (2):

Labcorp Genetics (formerly Invitae), Labcorp
Classification: Uncertain significance. Last evaluated: 2023-05-15. Review status: criteria provided, single submitter. Criteria: Invitae Variant Classification Sherloc (09022015). Collection method: clinical testing. Allele origin: germline.
Comment: In summary, the available evidence is currently insufficient to determine the role of this variant in disease. Therefore, it has been classified as a Variant of Uncertain Significance. An algorithm developed to predict the effect of missense changes on protein structure and function (PolyPhen-2) suggests that this variant is likely to be disruptive. ClinVar contains an entry for this variant (Variation ID: 1799438). This variant has not been reported in the literature in individuals affected with ATR-related conditions. This variant is not present in population databases (gnomAD no frequency). This sequence change replaces cysteine, which is neutral and slightly polar, with phenylalanine, which is neutral and non-polar, at codon 376 of the ATR protein (p.Cys376Phe).

Ambry Genetics
Classification: Uncertain significance for Inborn genetic diseases. Last evaluated: 2022-06-21. Review status: criteria provided, single submitter. Criteria: Ambry Variant Classification Scheme 2023. Collection method: clinical testing. Allele origin: germline.
Comment: The p.C376F variant (also known as c.1127G>T), located in coding exon 4 of the ATR gene, results from a G to T substitution at nucleotide position 1127. The cysteine at codon 376 is replaced by phenylalanine, an amino acid with highly dissimilar properties. This amino acid position is conserved. In addition, this alteration is predicted to be deleterious by in silico analysis. Since supporting evidence is limited at this time, the clinical significance of this alteration remains unclear.

NM_001184.4(ATR):c.1127G>T (p.Cys376Phe)

Gene: ATR (ATR checkpoint kinase; minus strand). Cytogenetic location: 3q23.
Variant type: single nucleotide variant.
Coding change: c.1127G>T on transcript NM_001184.4 (MANE Select); coding-DNA position 1127, G replaced by T.
Protein change: p.Cys376Phe; replaces cysteine 376 with phenylalanine.
Molecular consequence: missense variant.
Genome position (GRCh38, 1-based): chr3:142,562,275, C>A on the plus strand (G>T on the coding strand, the complement: ATR is on the minus strand). VCF-style: chr3-142562275-C-A. GRCh37 (hg19) VCF-style: chr3-142281117-C-A.
Other names: c.1127G>T, p.Cys376Phe (NM_001354579.2); short protein forms C376F.
Identifiers: ClinVar variation 1799438 (VCV001799438.6), dbSNP rs200947706, ClinGen allele CA354823620.